The following is an entry in ClinVar:

ClinVar aggregate classification (germline): Likely pathogenic. Review status: criteria provided, multiple submitters, no conflicts (2 of 4 stars). 2 submissions from 2 submitters: Likely pathogenic (2). Last evaluated 2025-05-15.

Conditions:
Hereditary factor VIII deficiency disease (HEMA). Also called: HEMOPHILIA, CLASSIC; Hemophilia A; Hemophilia A, congenital; HEM A; Factor 8 deficiency, congenital; AUTOSOMAL HEMOPHILIA A. Identifiers: Orphanet 98878, MedGen C0019069, MONDO:0010602, OMIM 306700.

Submissions (2):

Myriad Genetics, Inc.
Classification: Likely pathogenic for Hereditary factor VIII deficiency disease. Last evaluated: 2025-05-15. Review status: criteria provided, single submitter. Criteria: Myriad Autosomal Dominant, Autosomal Recessive and X-Linked Classification Criteria (2023). Collection method: clinical testing. Allele origin: unknown.
Comment: NM_000132.3(F8):c.5096A>C(Y1699S) is a missense variant classified as likely pathogenic in the context of hemophilia A. Y1699S has been observed in cases with relevant disease (PMID: 29296726, 32595650). Relevant functional assessments of this variant are not available in the literature. Y1699S has not been observed in referenced population frequency databases. In summary, NM_000132.3(F8):c.5096A>C(Y1699S) is a missense variant that has been observed more frequently in cases with the relevant disease than in healthy populations. Please note: this variant was assessed in the context of healthy population screening.

Labcorp Genetics (formerly Invitae), Labcorp
Classification: Likely pathogenic. Last evaluated: 2023-01-25. Review status: criteria provided, single submitter. Criteria: Invitae Variant Classification Sherloc (09022015). Collection method: clinical testing. Allele origin: germline.
Comment: This sequence change replaces tyrosine, which is neutral and polar, with serine, which is neutral and polar, at codon 1699 of the F8 protein (p.Tyr1699Ser). In summary, the currently available evidence indicates that the variant is pathogenic, but additional data are needed to prove that conclusively. Therefore, this variant has been classified as Likely Pathogenic. This variant disrupts the p.Tyr1699 amino acid residue in F8. Other variant(s) that disrupt this residue have been determined to be pathogenic (PMID: 2105906, 21909383, 24108539, 27629384). This suggests that this residue is clinically significant, and that variants that disrupt this residue are likely to be disease-causing. Advanced modeling of protein sequence and biophysical properties (such as structural, functional, and spatial information, amino acid conservation, physicochemical variation, residue mobility, and thermodynamic stability) performed at Invitae indicates that this missense variant is expected to disrupt F8 protein function. This variant has not been reported in the literature in individuals affected with F8-related conditions. This variant is not present in population databases (gnomAD no frequency).

Literature cited by the submitters: PubMed 29296726 (cited by Myriad Genetics, Inc.); PubMed 32595650 (cited by Myriad Genetics, Inc.); PubMed 2105906 (cited by Labcorp Genetics (formerly Invitae), Labcorp); PubMed 21909383 (cited by Labcorp Genetics (formerly Invitae), Labcorp); PubMed 24108539 (cited by Labcorp Genetics (formerly Invitae), Labcorp); PubMed 27629384 (cited by Labcorp Genetics (formerly Invitae), Labcorp).

NM_000132.4(F8):c.5096A>C (p.Tyr1699Ser)

Gene: F8 (coagulation factor VIII; minus strand). Cytogenetic location: Xq28.
Variant type: single nucleotide variant.
Coding change: c.5096A>C on transcript NM_000132.4 (MANE Select); coding-DNA position 5096, A replaced by C.
Protein change: p.Tyr1699Ser; replaces tyrosine 1699 with serine.
Molecular consequence: missense variant.
Genome position (GRCh38, 1-based): chrX:154,928,694, T>G on the plus strand (A>C on the coding strand, the complement: F8 is on the minus strand). VCF-style: chrX-154928694-T-G. GRCh37 (hg19) VCF-style: chrX-154156969-T-G.
Other names: short protein forms Y1699S.
Identifiers: ClinVar variation 2713111 (VCV002713111.4), dbSNP rs28935203, ClinGen allele CA414913959.
Genomic context (GRCh38, chrX:154,928,694, plus strand): 5'-ATAAAATAGTGTCGTGTTTTCTTTTGAAAGCTGCGGGGGCTCTGATTTTCATCCTCATCA[T>G]AAATGTCAAAATCTTCCTTCTTCATTTCAACTGATATGGTATCATCATAGTCAATTTCCT-3'
Protein context (NP_000123.1, residues 1689-1709): VEMKKEDFDI[Tyr1699Ser]DEDENQSPRS